The following is an entry in ClinVar:

NM_020822.3(KCNT1):c.2278A>T (p.Ile760Phe)

Gene: KCNT1 (potassium sodium-activated channel subfamily T member 1; plus strand). Cytogenetic location: 9q34.3.
Variant type: single nucleotide variant.
Coding change: c.2278A>T on transcript NM_020822.3 (MANE Select); coding-DNA position 2278, A replaced by T.
Protein change: p.Ile760Phe; replaces isoleucine 760 with phenylalanine.
Molecular consequence: missense variant.
Genome position (GRCh38, 1-based): chr9:135,775,344, A>T. VCF-style: chr9-135775344-A-T. GRCh37 (hg19) VCF-style: chr9-138667190-A-T.
Other names: c.2143A>T, p.Ile715Phe (NM_001272003.2); short protein forms I760F, I715F.
Identifiers: ClinVar variation 421258 (VCV000421258.2), dbSNP rs1064795013, ClinGen allele CA16618797.

ClinVar aggregate classification (germline): Likely pathogenic (1 of 4 stars; one submission).

Submission:

GeneDx
Classification: Likely pathogenic. Last evaluated: 2017-01-26. Review status: criteria provided, single submitter. Criteria: GeneDx Variant Classification (06012015). Collection method: clinical testing. Allele origin: germline. Affected: yes.
Comment: A novel I760F variant that is likely pathogenic has been identified in the KCNT1 gene. The I760F variant has not been published as a pathogenic variant, nor has it been reported as a benign variant to our knowledge. It was not observed in approximately 6,500 individuals of European and African American ancestry in the NHLBI Exome Sequencing Project, indicating it is not a common benign variant in these populations. This substitution occurs at a position that is conserved across species, and a different missense variant at the same codon (I760M) has been previously reported in an individual with malignant migrating partial seizures of infancy (Barcia et al., 2012). In silico analysis predicts this variant is probably damaging to the protein structure/function. However, the I760F variant is a conservative amino acid substitution, which is not likely to impact secondary protein structure as these residues share similar properties. Therefore, this variant is likely pathogenic; however, the possibility that it is benign cannot be excluded.